The following is an entry in ClinVar:

ClinVar aggregate classification (germline): Uncertain significance (1 of 4 stars; one submission).

Conditions:
Early Myoclonic Encephalopathy. Identifiers: MedGen C0270855.

Allele frequency attached by ClinVar (database versions not stated): gnomAD 0.00001.
gnomAD v4.1: 1 of 1,613,786 alleles (0.000062%); highest among the groups gnomAD compares: African/African-American, 0.0013%; no homozygotes.

Submission:

Labcorp Genetics (formerly Invitae), Labcorp
Classification: Uncertain significance for Early Myoclonic Encephalopathy. Last evaluated: 2024-01-15. Review status: criteria provided, single submitter. Criteria: Invitae Variant Classification Sherloc (09022015). Collection method: clinical testing. Allele origin: germline.
Comment: This sequence change replaces threonine, which is neutral and polar, with serine, which is neutral and polar, at codon 986 of the JMJD1C protein (p.Thr986Ser). This variant is not present in population databases (gnomAD no frequency). This variant has not been reported in the literature in individuals affected with JMJD1C-related conditions. ClinVar contains an entry for this variant (Variation ID: 1467933). Advanced modeling of protein sequence and biophysical properties (such as structural, functional, and spatial information, amino acid conservation, physicochemical variation, residue mobility, and thermodynamic stability) performed at Invitae indicates that this missense variant is not expected to disrupt JMJD1C protein function with a negative predictive value of 80%. In summary, the available evidence is currently insufficient to determine the role of this variant in disease. Therefore, it has been classified as a Variant of Uncertain Significance.

NM_032776.3(JMJD1C):c.2957C>G (p.Thr986Ser)

Gene: JMJD1C (jumonji domain containing 1C; minus strand). Cytogenetic location: 10q21.3.
Variant type: single nucleotide variant.
Coding change: c.2957C>G on transcript NM_032776.3 (MANE Select); coding-DNA position 2957, C replaced by G.
Protein change: p.Thr986Ser; replaces threonine 986 with serine.
Molecular consequence: missense variant. On other transcripts: non-coding transcript variant (1).
Genome position (GRCh38, 1-based): chr10:63,208,712, G>C on the plus strand (C>G on the coding strand, the complement: JMJD1C is on the minus strand). VCF-style: chr10-63208712-G-C. GRCh37 (hg19) VCF-style: chr10-64968472-G-C.
Other names: c.2411C>G, p.Thr804Ser (NM_001282948.2, NM_001318154.2); c.2093C>G, p.Thr698Ser (NM_001318153.2); c.2843C>G, p.Thr948Ser (NM_001322252.2); c.2300C>G, p.Thr767Ser (NM_001322254.2, NM_001322258.2); short protein forms T948S, T767S, T804S, T986S, T698S.
Identifiers: ClinVar variation 1467933 (VCV001467933.8), dbSNP rs780059054, ClinGen allele CA377043163.
Genomic context (GRCh38, chr10:63,208,712, plus strand): 5'-CTCTGTAACTGATTTAATACTGGATCCACAAAATGCCTATGTAAGTGACAATCTTTTCCA[G>C]TCTGTGACCTATTTAGATCCAGGTCATTTTTGGCTGATGTGGATGCAACAGACCGTAATG-3'
Protein context (NP_116165.1, residues 976-996): KNDLDLNRSQ[Thr986Ser]GKDCHLHRHF